The following is an entry in ClinVar:

ClinVar aggregate classification (germline): Uncertain significance (1 of 4 stars; one submission).

Conditions:
MED12-related intellectual disability syndrome. Identifiers: MedGen CN305246, MONDO:0100000.

Allele frequency attached by ClinVar (database versions not stated): ExAC 0.00001.

Submission:

Genetics and Molecular Pathology, SA Pathology
Classification: Uncertain significance for MED12-related intellectual disability syndrome. Last evaluated: 2022-02-17. Review status: criteria provided, single submitter. Criteria: ACMG Guidelines, 2015. Collection method: clinical testing. Allele origin: germline. Inheritance: X-linked recessive inheritance. Affected: yes.
Comment: The MED12 c.6045G>A variant is classified as a VARIANT of UNCERTAIN SIGNIFICANCE (PM2) The synonymous MED12 c.6045G>A variant is a single nucleotide change from a guanine to an adenine at position 6045 (Arg2015) in exon 42/45 of the MED12 gene and is located in a splice region. Computational splice predictions algorithms are equivocal on the effect of this variant on splicing. This variant has been reported in dbSNP (rs763950825) but is rare in population databases (gnomAD 1/179964, no homozygotes, no hemizygotes) (PM2). This variant has not been reported in the ClinVar or HGMD disease databases.

NM_005120.3(MED12):c.6045G>A (p.Arg2015=)

Gene: MED12 (mediator complex subunit 12; plus strand). Cytogenetic location: Xq13.1.
Variant type: single nucleotide variant.
Coding change: c.6045G>A on transcript NM_005120.3 (MANE Select); coding-DNA position 6045, G replaced by A.
Protein change: p.Arg2015=; no amino-acid change (arginine 2015 retained).
Molecular consequence: synonymous variant.
Genome position (GRCh38, 1-based): chrX:71,140,635, G>A. VCF-style: chrX-71140635-G-A. GRCh37 (hg19) VCF-style: chrX-70360485-G-A.
Identifiers: ClinVar variation 2664733 (VCV002664733.1), dbSNP rs763950825, ClinGen allele CA10444868.